The following is an entry in ClinVar:

NM_001023570.4(IQCB1):c.887A>G (p.Gln296Arg)

Gene: IQCB1 (IQ motif containing B1; minus strand). Cytogenetic location: 3q13.33.
Variant type: single nucleotide variant.
Coding change: c.887A>G on transcript NM_001023570.4 (MANE Select); coding-DNA position 887, A replaced by G.
Protein change: p.Gln296Arg; replaces glutamine 296 with arginine.
Molecular consequence: missense variant. On other transcripts: intron variant (1).
Genome position (GRCh38, 1-based): chr3:121,795,556, T>C on the plus strand (A>G on the coding strand, the complement: IQCB1 is on the minus strand). VCF-style: chr3-121795556-T-C. GRCh37 (hg19) VCF-style: chr3-121514403-T-C.
Other names: c.887A>G, p.Gln296Arg (NM_001319107.2); c.588-5341A>G (NM_001023571.4); short protein forms Q296R.
Identifiers: ClinVar variation 1947965 (VCV001947965.3), dbSNP rs1395823725, ClinGen allele CA354119715.

ClinVar aggregate classification (germline): Uncertain significance (1 of 4 stars; one submission).

Conditions:
Nephronophthisis. Also called: Juvenile Nephronophthisis. Identifiers: Orphanet 655, MedGen C0687120, MONDO:0019005, HP:0000090.

Allele frequency attached by ClinVar (database versions not stated): gnomAD exomes below 0.00001; gnomAD 0.00001.
gnomAD v4.1: 4 of 1,592,660 alleles (0.00025%); highest among the groups gnomAD compares: Admixed American, 0.0033%; no homozygotes.

Submission:

Labcorp Genetics (formerly Invitae), Labcorp
Classification: Uncertain significance for Nephronophthisis. Last evaluated: 2022-06-15. Review status: criteria provided, single submitter. Criteria: Invitae Variant Classification Sherloc (09022015). Collection method: clinical testing. Allele origin: germline.
Comment: In summary, the available evidence is currently insufficient to determine the role of this variant in disease. Therefore, it has been classified as a Variant of Uncertain Significance. Algorithms developed to predict the effect of missense changes on protein structure and function (SIFT, PolyPhen-2, Align-GVGD) all suggest that this variant is likely to be tolerated. This variant has not been reported in the literature in individuals affected with IQCB1-related conditions. This variant is present in population databases (no rsID available, gnomAD 0.1%). This sequence change replaces glutamine, which is neutral and polar, with arginine, which is basic and polar, at codon 296 of the IQCB1 protein (p.Gln296Arg).